The following is an entry in ClinVar:

NM_032436.4(CHAMP1):c.81A>G (p.Glu27=)

Gene: CHAMP1 (chromosome alignment maintaining phosphoprotein 1; plus strand). Cytogenetic location: 13q34.
Variant type: single nucleotide variant.
Coding change: c.81A>G on transcript NM_032436.4 (MANE Select); coding-DNA position 81, A replaced by G.
Protein change: p.Glu27=; no amino-acid change (glutamic acid 27 retained).
Molecular consequence: synonymous variant.
Genome position (GRCh38, 1-based): chr13:114,323,923, A>G. VCF-style: chr13-114323923-A-G. GRCh37 (hg19) VCF-style: chr13-115089398-A-G.
Other names: c.81A>G, p.Glu27= (NM_001164144.3, NM_001164145.3).
Identifiers: ClinVar variation 3040701 (VCV003040701.3), dbSNP rs146349096, ClinGen allele CA7070583.

ClinVar aggregate classification (germline): Likely benign. Review status: criteria provided, single submitter (1 of 4 stars). 2 submissions from 2 submitters: Likely benign (1). 1 of the submissions does not count toward it. Last evaluated 2024-07-19.

Conditions:
CHAMP1-related disorder. Also called: CHAMP1-related condition.

Allele frequency attached by ClinVar (database versions not stated): ESP Exome Variant Server 0.00023; ExAC 0.00025; gnomAD exomes 0.00037; gnomAD 0.00038; TOPMed 0.00040; 1000 Genomes Project 0.00060; 1000 Genomes Project 30x 0.00062.
gnomAD v4.1: 597 of 1,614,228 alleles (0.037%); highest among the groups gnomAD compares: Admixed American, 0.048%; 1 homozygote.

Submissions (2):

Blueprint Genetics
Classification: Likely benign. Last evaluated: 2024-07-19. Review status: criteria provided, single submitter. Criteria: ACMG Guidelines, 2015. Collection method: clinical testing. Allele origin: germline.

PreventionGenetics, part of Exact Sciences
Classification: Likely benign for CHAMP1-related condition. Last evaluated: 2019-03-14. Review status: no assertion criteria provided. Collection method: clinical testing. Allele origin: germline. Not counted in ClinVar's aggregate classification.
Comment: This variant is classified as likely benign based on ACMG/AMP sequence variant interpretation guidelines (Richards et al. 2015 PMID: 25741868, with internal and published modifications).